The following is an entry in ClinVar:

ClinVar aggregate classification (germline): Conflicting classifications of pathogenicity. Review status: criteria provided, conflicting classifications (1 of 4 stars). 6 submissions from 6 submitters: Uncertain significance (5); Likely benign (1). Last evaluated 2026-10-14.

Conditions:
Hyperekplexia 1 (STHE). Also called: HYPEREKPLEXIA 1, AUTOSOMAL DOMINANT; HYPEREKPLEXIA 1, AUTOSOMAL RECESSIVE; EXAGGERATED STARTLE REACTION; STARTLE DISEASE, FAMILIAL; STIFF-BABY SYNDROME; STIFF-MAN SYNDROME, CONGENITAL. Identifiers: Orphanet 3197, MedGen C4551954, MONDO:0007868, OMIM 149400.
Sulfite oxidase deficiency due to molybdenum cofactor deficiency type C. Also called: Molybdenum cofactor deficiency C; Molybdenum cofactor deficiency, complementation group C. Identifiers: Orphanet 308400, Orphanet 833, MedGen C1854990, MONDO:0014212, OMIM 615501.

Allele frequency attached by ClinVar (database versions not stated): TOPMed 0.00010; 1000 Genomes Project 30x 0.00047; 1000 Genomes Project 0.00040.

Submissions (6):

GeneDx
Classification: Uncertain significance. Last evaluated: 2026-10-14. Review status: criteria provided, single submitter. Criteria: GeneDx Variant Classification Process June 2021. Collection method: clinical testing. Allele origin: germline.
Comment: Reported as heterozygous in two siblings with juvenile myoclonic epilepsy who also harbored a missense variant in the MAST4 gene (PMID: 29948376); In silico analysis suggests that this missense variant does not alter protein structure/function; This variant is associated with the following publications: (PMID: 29948376)

Dasa
Classification: Uncertain significance for Sulfite oxidase deficiency due to molybdenum cofactor deficiency type C. Last evaluated: 2025-11-10. Review status: criteria provided, single submitter. Criteria: DASA Assertion Criteria. Collection method: clinical testing. Allele origin: germline.
Comment: NM_020806.5(GPHN):c.127G>A (p.Val43Ile) is a missense variant that results in the substitution of valine with isoleucine. This variant is rare in population databases. Computational prediction algorithms are consistent with a benign effect. The currently available literature and clinical evidence are not sufficient to establish a definitive association between this variant and the reported condition. Therefore, this variant is classified as a variant of uncertain significance.

Labcorp Genetics (formerly Invitae), Labcorp
Classification: Uncertain significance for Sulfite oxidase deficiency due to molybdenum cofactor deficiency type C. Last evaluated: 2025-01-12. Review status: criteria provided, single submitter. Criteria: Invitae Variant Classification Sherloc (09022015). Collection method: clinical testing. Allele origin: germline.
Comment: This sequence change replaces valine, which is neutral and non-polar, with isoleucine, which is neutral and non-polar, at codon 43 of the GPHN protein (p.Val43Ile). This variant is present in population databases (rs117256383, gnomAD 0.05%). This missense change has been observed in individual(s) with juvenile myoclonic epilepsy with generalized tonic-clonic seizures (PMID: 29948376). ClinVar contains an entry for this variant (Variation ID: 566679). Invitae Evidence Modeling of protein sequence and biophysical properties (such as structural, functional, and spatial information, amino acid conservation, physicochemical variation, residue mobility, and thermodynamic stability) indicates that this missense variant is not expected to disrupt GPHN protein function with a negative predictive value of 80%. In summary, the available evidence is currently insufficient to determine the role of this variant in disease. Therefore, it has been classified as a Variant of Uncertain Significance.

Blueprint Genetics
Classification: Uncertain significance. Last evaluated: 2024-11-11. Review status: criteria provided, single submitter. Criteria: ACMG Guidelines, 2015. Collection method: clinical testing. Allele origin: germline.

3billion
Classification: Likely benign for Sulfite oxidase deficiency due to molybdenum cofactor deficiency type C. Last evaluated: 2024-09-20. Review status: criteria provided, single submitter. Criteria: ACMG Guidelines, 2015. Collection method: clinical testing. Allele origin: germline. Affected: no.
Comment: The homozygous variant was found in patients diagnosed with another variant in a different gene, with no symptoms related to the gene containing the homozygous variant.

Fulgent Genetics
Classification: Uncertain significance for Hyperekplexia 1; Sulfite oxidase deficiency due to molybdenum cofactor deficiency type C. Last evaluated: 2021-07-13. Review status: criteria provided, single submitter. Criteria: ACMG Guidelines, 2015. Collection method: clinical testing. Allele origin: unknown.

Literature cited by the submitters: PubMed 29948376 (cited by Labcorp Genetics (formerly Invitae), Labcorp).

NM_020806.5(GPHN):c.127G>A (p.Val43Ile)

Gene: GPHN (gephyrin; plus strand). Cytogenetic location: 14q23.3.
Variant type: single nucleotide variant.
Coding change: c.127G>A on transcript NM_020806.5 (MANE Select); coding-DNA position 127, G replaced by A.
Protein change: p.Val43Ile; replaces valine 43 with isoleucine.
Molecular consequence: missense variant.
Genome position (GRCh38, 1-based): chr14:66,681,169, G>A. VCF-style: chr14-66681169-G-A. GRCh37 (hg19) VCF-style: chr14-67147887-G-A.
Other names: c.127G>A, p.Val43Ile (NM_001024218.2, NM_001377514.1, NM_001377515.1 and 4 more transcripts); short protein forms V43I.
Identifiers: ClinVar variation 566679 (VCV000566679.15), dbSNP rs117256383, ClinGen allele CA7233642.